The following is an entry in ClinVar:

ClinVar aggregate classification (germline): Uncertain significance (1 of 4 stars; one submission).

gnomAD v4.1: 5 of 1,614,076 alleles (0.00031%); highest among the groups gnomAD compares: African/African-American, 0.0067%; no homozygotes.

Submission:

GeneDx
Classification: Uncertain significance. Last evaluated: 2026-04-01. Review status: criteria provided, single submitter. Criteria: GeneDx Variant Classification Process June 2021. Collection method: clinical testing. Allele origin: germline.
Comment: Not observed at significant frequency in large population cohorts (gnomAD); In silico analysis suggests that this missense variant does not alter protein structure/function; Has not been previously published as pathogenic or benign to our knowledge

NM_005548.3(KARS1):c.1579A>C (p.Met527Leu)

Gene: KARS1 (lysyl-tRNA synthetase 1; minus strand). Cytogenetic location: 16q23.1.
Variant type: single nucleotide variant.
Coding change: c.1579A>C on transcript NM_005548.3 (MANE Select); coding-DNA position 1579, A replaced by C.
Protein change: p.Met527Leu; replaces methionine 527 with leucine.
Molecular consequence: missense variant.
Genome position (GRCh38, 1-based): chr16:75,628,685, T>G on the plus strand (A>C on the coding strand, the complement: KARS1 is on the minus strand). VCF-style: chr16-75628685-T-G. GRCh37 (hg19) VCF-style: chr16-75662583-T-G.
Other names: c.1663A>C, p.Met555Leu (NM_001130089.2); c.1111A>C, p.Met371Leu (NM_001378148.1); short protein forms M371L, M527L, M555L.
Identifiers: ClinVar variation 5017178 (VCV005017178.1).
Genomic context (GRCh38, chr16:75,628,685, plus strand): 5'-AGCCAGCTGTGGGGGGCAGCCCATATTCCAGGGCAGTACAGAAGTTTTCATCTATGAACA[T>G]GGCCTCATCATCACCTGCAGCCTTGGCCTAGAAGAGGAAAGAGAACCAAAAGGTGACCTT-3'
Protein context (NP_005539.1, residues 517-537): KAKAAGDDEA[Met527Leu]FIDENFCTAL